The following is an entry in ClinVar:

ClinVar aggregate classification (germline): Uncertain significance (1 of 4 stars; one submission).

Conditions:
Cardiovascular phenotype. Identifiers: MedGen CN230736.

Submission:

Ambry Genetics
Classification: Uncertain significance for Cardiovascular phenotype. Last evaluated: 2024-05-21. Review status: criteria provided, single submitter. Criteria: Ambry Variant Classification Scheme 2023. Collection method: clinical testing. Allele origin: germline.
Comment: The p.M1178T variant (also known as c.3533T>C), located in coding exon 13 of the RBM20 gene, results from a T to C substitution at nucleotide position 3533. The methionine at codon 1178 is replaced by threonine, an amino acid with similar properties. This amino acid position is conserved. In addition, this alteration is predicted to be tolerated by in silico analysis. Based on the available evidence, the clinical significance of this variant remains unclear.

NM_001134363.3(RBM20):c.3533T>C (p.Met1178Thr)

Gene: RBM20 (RNA binding motif protein 20; plus strand). Cytogenetic location: 10q25.2.
Variant type: single nucleotide variant.
Coding change: c.3533T>C on transcript NM_001134363.3 (MANE Select); coding-DNA position 3533, T replaced by C.
Protein change: p.Met1178Thr; replaces methionine 1178 with threonine.
Molecular consequence: missense variant.
Genome position (GRCh38, 1-based): chr10:110,831,142, T>C. VCF-style: chr10-110831142-T-C. GRCh37 (hg19) VCF-style: chr10-112590900-T-C.
Other names: short protein forms M1178T.
Identifiers: ClinVar variation 3313234 (VCV003313234.1).